The following is an entry in ClinVar:

ClinVar aggregate classification (germline): Uncertain significance (1 of 4 stars; one submission).

Allele frequency attached by ClinVar (database versions not stated): gnomAD exomes below 0.00001; gnomAD 0.00001.
gnomAD v4.1: 2 of 1,613,788 alleles (0.00012%); highest among the groups gnomAD compares: South Asian, 0.0022%; no homozygotes.

Submission:

Ambry Genetics
Classification: Uncertain significance. Last evaluated: 2023-12-15. Review status: criteria provided, single submitter. Criteria: Ambry Variant Classification Scheme 2023. Collection method: clinical testing. Allele origin: germline.
Comment: The c.311C>A (p.P104H) alteration is located in exon (coding exon ) of the MPPED1 gene. This alteration results from a C to A substitution at nucleotide position 311, causing the proline (P) at amino acid position 104 to be replaced by a histidine (H). Based on insufficient or conflicting evidence, the clinical significance of this alteration remains unclear.

NM_001044370.2(MPPED1):c.311C>A (p.Pro104His)

Gene: MPPED1 (metallophosphoesterase domain containing 1; plus strand). Cytogenetic location: 22q13.2.
Variant type: single nucleotide variant.
Coding change: c.311C>A on transcript NM_001044370.2 (MANE Select); coding-DNA position 311, C replaced by A.
Protein change: p.Pro104His; replaces proline 104 with histidine.
Molecular consequence: missense variant.
Genome position (GRCh38, 1-based): chr22:43,435,120, C>A. VCF-style: chr22-43435120-C-A. GRCh37 (hg19) VCF-style: chr22-43831040-C-A.
Other names: c.311C>A, p.Pro104His (NM_001362786.2, NM_001585.2); short protein forms P104H.
Identifiers: ClinVar variation 3203127 (VCV003203127.1), dbSNP rs1237371441, ClinGen allele CA411830772.